The following is an entry in ClinVar:

ClinVar aggregate classification (germline): Uncertain significance (1 of 4 stars; one submission).

gnomAD v4.1: 2 of 1,613,056 alleles (0.00012%); highest among the groups gnomAD compares: Non-Finnish European, 0.00017%; no homozygotes.

Submission:

Labcorp Genetics (formerly Invitae), Labcorp
Classification: Uncertain significance. Last evaluated: 2020-03-11. Review status: criteria provided, single submitter. Criteria: Invitae Variant Classification Sherloc (09022015). Collection method: clinical testing. Allele origin: germline.
Comment: In summary, the available evidence is currently insufficient to determine the role of this variant in disease. Therefore, it has been classified as a Variant of Uncertain Significance. Algorithms developed to predict the effect of missense changes on protein structure and function are either unavailable or do not agree on the potential impact of this missense change (SIFT: "Deleterious"; PolyPhen-2: "Benign"; Align-GVGD: "Class C0"). This variant has not been reported in the literature in individuals with CTNNA1-related conditions. This variant is not present in population databases (ExAC no frequency). This sequence change replaces serine with leucine at codon 740 of the CTNNA1 protein (p.Ser740Leu). The serine residue is highly conserved and there is a large physicochemical difference between serine and leucine.

NM_001903.5(CTNNA1):c.2219C>T (p.Ser740Leu)

Gene: CTNNA1 (catenin alpha 1; plus strand). Cytogenetic location: 5q31.2.
Variant type: single nucleotide variant.
Coding change: c.2219C>T on transcript NM_001903.5 (MANE Select); coding-DNA position 2219, C replaced by T.
Protein change: p.Ser740Leu; replaces serine 740 with leucine.
Molecular consequence: missense variant.
Genome position (GRCh38, 1-based): chr5:138,930,856, C>T. VCF-style: chr5-138930856-C-T. GRCh37 (hg19) VCF-style: chr5-138266545-C-T.
Other names: c.2219C>T, p.Ser740Leu (NM_001290307.3, NM_001323982.2, NM_001323983.1 and 2 more transcripts); c.1910C>T, p.Ser637Leu (NM_001290309.3); c.1850C>T, p.Ser617Leu (NM_001290310.3); c.1109C>T, p.Ser370Leu (NM_001290312.1, NM_001323987.1, NM_001323988.1 and 17 more transcripts); c.2126C>T, p.Ser709Leu (NM_001323986.2); c.770C>T, p.Ser257Leu (NM_001324006.1, NM_001324007.1, NM_001324008.1 and 2 more transcripts); c.1016C>T, p.Ser339Leu (NM_001324011.1); c.866C>T, p.Ser289Leu (NM_001324012.1, NM_001324013.1); short protein forms S257L, S289L, S339L, S370L, S617L, S637L, S709L, S740L.
Identifiers: ClinVar variation 1062985 (VCV001062985.9), dbSNP rs2150337019, ClinGen allele CA361133803.